The following is an entry in ClinVar:

ClinVar aggregate classification (germline): Likely benign. Review status: criteria provided, multiple submitters, no conflicts (2 of 4 stars). 3 submissions from 3 submitters: Likely benign (2). 1 of the submissions does not count toward it. Last evaluated 2026-01-28.

Conditions:
Bartter disease type 2. Also called: HYPERPROSTAGLANDIN E SYNDROME 2; Bartter syndrome, type 2, antenatal; HYPOKALEMIC ALKALOSIS WITH HYPERCALCIURIA 2, ANTENATAL. Identifiers: Orphanet 112, Orphanet 620220, MedGen C1855849, MONDO:0009424, OMIM 241200.
KCNJ1-related disorder. Also called: KCNJ1-related condition.

Allele frequency attached by ClinVar (database versions not stated): gnomAD exomes 0.00006 and 0.00035; gnomAD 0.00010 and 0.00015; TOPMed 0.00020; ExAC 0.00031; 1000 Genomes Project 30x 0.00078; 1000 Genomes Project 0.00100.
gnomAD v4.1: 143 of 1,613,348 alleles (0.0089%); highest among the groups gnomAD compares: East Asian, 0.24%; no homozygotes.

Submissions (3):

Labcorp Genetics (formerly Invitae), Labcorp
Classification: Likely benign. Last evaluated: 2026-01-28. Review status: criteria provided, single submitter. Criteria: Invitae Variant Classification Sherloc (09022015). Collection method: clinical testing. Allele origin: germline.

Illumina Laboratory Services, Illumina
Classification: Likely benign for Bartter disease type 2. Last evaluated: 2018-01-13. Review status: criteria provided, single submitter. Criteria: ICSL Variant Classification Criteria 13 December 2019. Collection method: clinical testing. Allele origin: germline.
Comment: This variant was observed in the ICSL laboratory as part of a predisposition screen in an ostensibly healthy population. It had not been previously curated by ICSL or reported in the Human Gene Mutation Database (HGMD: prior to June 1st, 2018), and was therefore a candidate for classification through an automated scoring system. Utilizing variant allele frequency, disease prevalence and penetrance estimates, and inheritance mode, an automated score was calculated to assess if this variant is too frequent to cause the disease. Based on the score and internal cut-off values, a variant classified as likely benign is not then subjected to further curation. The score for this variant resulted in a classification of likely benign for this disease.

PreventionGenetics, part of Exact Sciences
Classification: Likely benign for KCNJ1-related condition. Last evaluated: 2022-08-26. Review status: no assertion criteria provided. Collection method: clinical testing. Allele origin: germline. Not counted in ClinVar's aggregate classification.
Comment: This variant is classified as likely benign based on ACMG/AMP sequence variant interpretation guidelines (Richards et al. 2015 PMID: 25741868, with internal and published modifications).

NM_153766.3(KCNJ1):c.568C>T (p.Leu190Phe)

Gene: KCNJ1 (potassium inwardly rectifying channel subfamily J member 1; minus strand). Cytogenetic location: 11q24.3.
Variant type: single nucleotide variant.
Coding change: c.568C>T on transcript NM_153766.3 (MANE Select); coding-DNA position 568, C replaced by T.
Protein change: p.Leu190Phe; replaces leucine 190 with phenylalanine.
Molecular consequence: missense variant.
Genome position (GRCh38, 1-based): chr11:128,839,676, G>A on the plus strand (C>T on the coding strand, the complement: KCNJ1 is on the minus strand). VCF-style: chr11-128839676-G-A. GRCh37 (hg19) VCF-style: chr11-128709571-G-A.
Other names: c.625C>T, p.Leu209Phe (NM_000220.6); c.568C>T, p.Leu190Phe (NM_153764.3, NM_153767.4); c.619C>T, p.Leu207Phe (NM_153765.3); short protein forms L190F, L209F, L207F.
Identifiers: ClinVar variation 303574 (VCV000303574.14), dbSNP rs188249669, ClinGen allele CA6357494.